The following is an entry in ClinVar:

ClinVar aggregate classification (germline): Uncertain significance (1 of 4 stars; one submission).

Submission:

Ambry Genetics
Classification: Uncertain significance. Last evaluated: 2026-01-12. Review status: criteria provided, single submitter. Criteria: Ambry Variant Classification Scheme 2023. Collection method: clinical testing. Allele origin: germline.
Comment: The c.59A>C (p.Q20P) alteration is located in exon 2 (coding exon 1) of the H3-3A gene. This alteration results from an A to C substitution at nucleotide position 59, causing the glutamine (Q) at amino acid position 20 to be replaced by a proline (P). This variant was not reported in population-based cohorts in the Genome Aggregation Database (gnomAD). This amino acid position is highly conserved in available vertebrate species. This missense alteration is located in a region that has a low rate of benign missense variation (Lek, 2016; Firth, 2009). The in silico prediction for this alteration is inconclusive. Based on insufficient or conflicting evidence, the clinical significance of this alteration remains unclear.

NM_002107.7(H3-3A):c.59A>C (p.Gln20Pro)

Gene: H3-3A (H3.3 histone A; plus strand). Cytogenetic location: 1q42.12.
Variant type: single nucleotide variant.
Coding change: c.59A>C on transcript NM_002107.7 (MANE Select); coding-DNA position 59, A replaced by C.
Protein change: p.Gln20Pro; replaces glutamine 20 with proline.
Molecular consequence: missense variant.
Genome position (GRCh38, 1-based): chr1:226,064,410, A>C. VCF-style: chr1-226064410-A-C. GRCh37 (hg19) VCF-style: chr1-226252111-A-C.
Other names: c.59A>C, p.Gln20Pro (NM_001379043.1, NM_001379045.1, NM_001379046.1 and 1 more transcripts); short protein forms Q20P.
Identifiers: ClinVar variation 4838574 (VCV004838574.1).
Genomic context (GRCh38, chr1:226,064,410, plus strand): 5'-CCATGGCTCGTACAAAGCAGACTGCCCGCAAATCGACCGGTGGTAAAGCACCCAGGAAGC[A>C]ACTGGCTACAAAAGCCGCTCGCAAGAGTGCGCCCTCTACTGGAGGGGTGAAGAAACCTCA-3'
Protein context (NP_002098.1, residues 10-30): KSTGGKAPRK[Gln20Pro]LATKAARKSA